The following is an entry in ClinVar:

NM_001267550.2(TTN):c.12653T>C (p.Ile4218Thr)

Gene: TTN (titin; minus strand). Cytogenetic location: 2q31.2.
Variant type: single nucleotide variant.
Coding change: c.12653T>C on transcript NM_001267550.2 (MANE Select); coding-DNA position 12653, T replaced by C.
Protein change: p.Ile4218Thr; replaces isoleucine 4218 with threonine.
Molecular consequence: missense variant. On other transcripts: intron variant (1).
Genome position (GRCh38, 1-based): chr2:178,740,580, A>G on the plus strand (T>C on the coding strand, the complement: TTN is on the minus strand). VCF-style: chr2-178740580-A-G. GRCh37 (hg19) VCF-style: chr2-179605307-A-G.
Other names: p.I3901T:ATA>ACA; p.Ile3901Thr; c.11702T>C, p.Ile3901Thr (NM_001256850.1); c.11939T>C, p.Ile3980Thr (NM_133432.3); c.11564T>C, p.Ile3855Thr (NM_003319.4); c.12140T>C, p.Ile4047Thr (NM_133437.4); c.10361-2220T>C (NM_133378.4); short protein forms I4218T, I3980T, I3901T, I4047T, I3855T.
Identifiers: ClinVar variation 47828 (VCV000047828.21), dbSNP rs374631591, ClinGen allele CA141993.

ClinVar aggregate classification (germline): Conflicting classifications of pathogenicity. Review status: criteria provided, conflicting classifications (1 of 4 stars). 8 submissions from 8 submitters: Uncertain significance (5); Likely benign (3). Last evaluated 2026-06-24.

Conditions:
TTN-related disorder. Also called: TTN-related condition; TTN-related disease; TTN-related disorders.
Cardiomyopathy (CMYO). Also called: Cardiomyopathies. Identifiers: Orphanet 167848, MedGen C0878544, MONDO:0004994, HP:0001638. Inheritance: Various modes of inheritance.

Allele frequency attached by ClinVar (database versions not stated): ExAC 0.00006; gnomAD exomes 0.00007 and 0.00009; ESP Exome Variant Server 0.00008; TOPMed 0.00010; gnomAD 0.00011 and 0.00012.
gnomAD v4.1: 143 of 1,613,744 alleles (0.0089%); highest among the groups gnomAD compares: Middle Eastern, 0.016%; no homozygotes.

Submissions (8):

Women's Health and Genetics/Laboratory Corporation of America, LabCorp
Classification: Uncertain significance. Last evaluated: 2026-06-24. Review status: criteria provided, single submitter. Criteria: LabCorp Variant Classification Summary - May 2015. Collection method: clinical testing. Allele origin: germline.
Comment: Variant summary: TTN c.10361-2220T>C (also known as NM_001267550: c.12653T>C (p.Ile4218Thr)) is located at a position not widely known to affect splicing. Consensus agreement among computation tools predict no significant impact on normal splicing. However, these predictions have yet to be confirmed by functional studies. The variant allele was found at a frequency of 7.2e-05 in 248726 control chromosomes. This frequency is not significantly higher than estimated for disease-causing variants in TTN, allowing no conclusion about variant significance. c.10361-2220T>C has been observed in at least one individual with hypertrophic cardiomyopathy, without strong evidence of causality (Burstein_2021). This report does not provide unequivocal conclusions about association of the variant with disease. To our knowledge, no experimental evidence demonstrating an impact on protein function has been reported. The following publication has been ascertained in the context of this evaluation (PMID: 32746448). ClinVar contains an entry for this variant (Variation ID: 47828). Based on the evidence outlined above, the variant was classified as uncertain significance.

PreventionGenetics, part of Exact Sciences
Classification: Uncertain significance for TTN-related condition. Last evaluated: 2025-12-09. Review status: criteria provided, single submitter. Criteria: ACMG Guidelines, 2015. Collection method: clinical testing. Allele origin: germline.
Comment: The TTN c.12653T>C variant is predicted to result in the amino acid substitution p.Ile4218Thr. To our knowledge, this variant has not been reported in the literature. This variant is reported in 0.016% of alleles in individuals of European (Non-Finnish) descent in gnomAD. Although we suspect that this variant may be benign, at this time, the clinical significance of this variant is uncertain due to the absence of conclusive functional and genetic evidence.

Mayo Clinic Laboratories, Mayo Clinic
Classification: Uncertain significance. Last evaluated: 2025-03-05. Review status: criteria provided, single submitter. Criteria: ACMG Guidelines, 2015. Collection method: clinical testing. Allele origin: germline. Observed: 1 variant allele.
Comment: BP4_moderate

Blueprint Genetics
Classification: Likely benign. Last evaluated: 2024-11-26. Review status: criteria provided, single submitter. Criteria: ACMG Guidelines, 2015. Collection method: clinical testing. Allele origin: germline.

CHEO Genetics Diagnostic Laboratory, Children's Hospital of Eastern Ontario
Classification: Likely benign for Cardiomyopathy. Last evaluated: 2023-05-16. Review status: criteria provided, single submitter. Criteria: ACMG Guidelines, 2015. Collection method: clinical testing. Allele origin: germline. Study: Canadian Open Genetics Repository.

Laboratory for Molecular Medicine, Mass General Brigham Personalized Medicine
Classification: Uncertain significance. Last evaluated: 2021-03-30. Review status: criteria provided, single submitter. Criteria: LMM Criteria. Collection method: clinical testing. Allele origin: germline. Observed: 1 variant allele.
Comment: Variant classified as Uncertain Significance - Favor Benign. The p.Ile3980Thr variant in TTN has not been previously reported in individuals with cardiomyopathy but has been identified in 0.02% (20/127992) of European chromosomes by gnomAD. Computational prediction tools and conservation analyses suggest that this variant may not impact the protein, though this information is not predictive enough to rule out pathogenicity. In summary, while the clinical significance of this variant is uncertain, these data suggest that it is more likely to be benign. ACMG/AMP Criteria applied: BS1_Supporting, BP4.

GeneDx
Classification: Likely benign. Last evaluated: 2020-10-15. Review status: criteria provided, single submitter. Criteria: GeneDx Variant Classification Process June 2021. Collection method: clinical testing. Allele origin: germline. Affected: yes.

Eurofins Ntd Llc (ga)
Classification: Uncertain significance. Last evaluated: 2017-05-23. Review status: criteria provided, single submitter. Criteria: EGL Classification Definitions 2015. Collection method: clinical testing. Allele origin: germline. Observed: 6 variant alleles, 6 heterozygotes.

Literature cited by the submitters: PubMed 32746448 (cited by Women's Health and Genetics/Laboratory Corporation of America, LabCorp).